The following is an entry in ClinVar:

NM_024577.4(SH3TC2):c.30G>T (p.Glu10Asp)

Gene: SH3TC2 (SH3 domain and tetratricopeptide repeats 2; minus strand). Cytogenetic location: 5q32.
Variant type: single nucleotide variant.
Coding change: c.30G>T on transcript NM_024577.4 (MANE Select); coding-DNA position 30, G replaced by T.
Protein change: p.Glu10Asp; replaces glutamic acid 10 with aspartic acid.
Molecular consequence: missense variant.
Genome position (GRCh38, 1-based): chr5:149,062,993, C>A on the plus strand (G>T on the coding strand, the complement: SH3TC2 is on the minus strand). VCF-style: chr5-149062993-C-A. GRCh37 (hg19) VCF-style: chr5-148442556-C-A.
Other names: short protein forms E10D.
Identifiers: ClinVar variation 1464783 (VCV001464783.8), dbSNP rs755666455, ClinGen allele CA3499700.
Genomic context (GRCh38, chr5:149,062,993, plus strand): 5'-GGCCAAGCCACAGGCCAAGGGCCCCCTGGGAAACTCACCTGGGCCCCGGGTCAGACTCCG[C>A]TCCCTGGGGATGCAGAAGCAGCCACCCATGTGTGTACCATCCTACCCTGGCCGAGGCCCT-3'
Protein context (NP_078853.2, residues 1-20): MGGCFCIPR[Glu10Asp]RSLTRGPGKE

ClinVar aggregate classification (germline): Uncertain significance (1 of 4 stars; one submission).

Conditions:
Charcot-Marie-Tooth disease type 4. Also called: Charcot-Marie-Tooth, Type 4; Charcot-Marie-Tooth disease, type IV. Identifiers: Orphanet 64749, MedGen C4082197, MONDO:0018995.

gnomAD v4.1: 1 of 1,599,666 alleles (0.000063%); highest among the groups gnomAD compares: South Asian, 0.0011%; no homozygotes.

Submission:

Labcorp Genetics (formerly Invitae), Labcorp
Classification: Uncertain significance for Charcot-Marie-Tooth disease type 4. Last evaluated: 2022-06-20. Review status: criteria provided, single submitter. Criteria: Invitae Variant Classification Sherloc (09022015). Collection method: clinical testing. Allele origin: germline.
Comment: In summary, the available evidence is currently insufficient to determine the role of this variant in disease. Therefore, it has been classified as a Variant of Uncertain Significance. Advanced modeling of protein sequence and biophysical properties (such as structural, functional, and spatial information, amino acid conservation, physicochemical variation, residue mobility, and thermodynamic stability) performed at Invitae indicates that this missense variant is not expected to disrupt SH3TC2 protein function. This variant has not been reported in the literature in individuals affected with SH3TC2-related conditions. The frequency data for this variant in the population databases is considered unreliable, as metrics indicate poor data quality at this position in the gnomAD database. This sequence change replaces glutamic acid, which is acidic and polar, with aspartic acid, which is acidic and polar, at codon 10 of the SH3TC2 protein (p.Glu10Asp).